The following is an entry in ClinVar:

NM_001040151.2(SCN3B):c.118C>T (p.Pro40Ser)

Gene: SCN3B (sodium voltage-gated channel beta subunit 3; minus strand). Cytogenetic location: 11q24.1.
Variant type: single nucleotide variant.
Coding change: c.118C>T on transcript NM_001040151.2 (MANE Select); coding-DNA position 118, C replaced by T.
Protein change: p.Pro40Ser; replaces proline 40 with serine.
Molecular consequence: missense variant.
Genome position (GRCh38, 1-based): chr11:123,645,688, G>A on the plus strand (C>T on the coding strand, the complement: SCN3B is on the minus strand). VCF-style: chr11-123645688-G-A. GRCh37 (hg19) VCF-style: chr11-123516396-G-A.
Other names: c.118C>T, p.Pro40Ser (NM_018400.4); short protein forms P40S.
Identifiers: ClinVar variation 870094 (VCV000870094.1), dbSNP rs762633602, ClinGen allele CA383073154.

ClinVar aggregate classification (germline): Uncertain significance (1 of 4 stars; one submission).

Conditions:
Brugada syndrome. Also called: Sudden unexpected nocturnal death syndrome; Sudden unexplained nocturnal death syndrome; Sudden Unexplained Death Syndrome; Sudden Unexplained Nocturnal Death Syndrome (SUNDS). Identifiers: Orphanet 130, MedGen C1142166, MONDO:0015263.

Submission:

Agnes Ginges Centre for Molecular Cardiology, Centenary Institute
Classification: Uncertain significance for Brugada syndrome. Last evaluated: 2018-03-01. Review status: criteria provided, single submitter. Criteria: ACMG Guidelines, 2015. Collection method: research. Allele origin: germline. Inheritance: Autosomal dominant inheritance. Affected: yes.
Comment: The SCN3B Pro40Ser has not been previously reported and is absent from the Genome Aggregation Database. In silico tools SIFT, PolyPhen-2 and MutationTaster predict this variant to be benign. Based on this limited information we classify SCN3B Pro40Ser as a variant of 'uncertain significance'.